The following is an entry in ClinVar:

ClinVar aggregate classification (germline): Uncertain significance (1 of 4 stars; one submission).

gnomAD v4.1: 4 of 1,048,870 alleles (0.00038%); highest among the groups gnomAD compares: Non-Finnish European, 0.00034%; no homozygotes.

Submission:

Labcorp Genetics (formerly Invitae), Labcorp
Classification: Uncertain significance. Last evaluated: 2024-02-22. Review status: criteria provided, single submitter. Criteria: Invitae Variant Classification Sherloc (09022015). Collection method: clinical testing. Allele origin: germline.
Comment: This sequence change replaces alanine, which is neutral and non-polar, with threonine, which is neutral and polar, at codon 1037 of the GRIN2D protein (p.Ala1037Thr). The frequency data for this variant in the population databases is considered unreliable, as metrics indicate insufficient coverage at this position in the gnomAD database. This variant has not been reported in the literature in individuals affected with GRIN2D-related conditions. Advanced modeling of protein sequence and biophysical properties (such as structural, functional, and spatial information, amino acid conservation, physicochemical variation, residue mobility, and thermodynamic stability) performed at Invitae indicates that this missense variant is not expected to disrupt GRIN2D protein function with a negative predictive value of 95%. In summary, the available evidence is currently insufficient to determine the role of this variant in disease. Therefore, it has been classified as a Variant of Uncertain Significance.

NM_000836.4(GRIN2D):c.3109G>A (p.Ala1037Thr)

Gene: GRIN2D (glutamate ionotropic receptor NMDA type subunit 2D; plus strand). Cytogenetic location: 19q13.33.
Variant type: single nucleotide variant.
Coding change: c.3109G>A on transcript NM_000836.4 (MANE Select); coding-DNA position 3109, G replaced by A.
Protein change: p.Ala1037Thr; replaces alanine 1037 with threonine.
Molecular consequence: missense variant.
Genome position (GRCh38, 1-based): chr19:48,443,035, G>A. VCF-style: chr19-48443035-G-A. GRCh37 (hg19) VCF-style: chr19-48946292-G-A.
Other names: short protein forms A1037T.
Identifiers: ClinVar variation 2750957 (VCV002750957.3), dbSNP rs2513692511, ClinGen allele CA406674894.